The following is an entry in ClinVar:

ClinVar aggregate classification (germline): Uncertain significance. Review status: criteria provided, multiple submitters, no conflicts (2 of 4 stars). 6 submissions from 6 submitters: Uncertain significance (5). 1 of the submissions does not count toward it. Last evaluated 2025-05-06.

Conditions:
NPHP1-related disorder. Also called: NPHP1-related disorders; NPHP1-related condition.
Inborn genetic diseases. Identifiers: MedGen C0950123, MeSH D030342.
Nephronophthisis. Also called: Juvenile Nephronophthisis. Identifiers: Orphanet 655, MedGen C0687120, MONDO:0019005, HP:0000090.

Allele frequency attached by ClinVar (database versions not stated): gnomAD exomes below 0.00001; gnomAD 0.00001.
gnomAD v4.1: 19 of 1,613,318 alleles (0.0012%); highest among the groups gnomAD compares: Middle Eastern, 0.049%; no homozygotes.

Submissions (6):

Labcorp Genetics (formerly Invitae), Labcorp
Classification: Uncertain significance for Nephronophthisis. Last evaluated: 2025-05-06. Review status: criteria provided, single submitter. Criteria: Invitae Variant Classification Sherloc (09022015). Collection method: clinical testing. Allele origin: germline.
Comment: This sequence change replaces glutamic acid, which is acidic and polar, with lysine, which is basic and polar, at codon 147 of the NPHP1 protein (p.Glu147Lys). This variant is present in population databases (no rsID available, gnomAD no frequency). This variant has not been reported in the literature in individuals affected with NPHP1-related conditions. ClinVar contains an entry for this variant (Variation ID: 595361). Invitae Evidence Modeling of protein sequence and biophysical properties (such as structural, functional, and spatial information, amino acid conservation, physicochemical variation, residue mobility, and thermodynamic stability) indicates that this missense variant is not expected to disrupt NPHP1 protein function with a negative predictive value of 80%. In summary, the available evidence is currently insufficient to determine the role of this variant in disease. Therefore, it has been classified as a Variant of Uncertain Significance.

Blueprint Genetics
Classification: Uncertain significance. Last evaluated: 2024-06-27. Review status: criteria provided, single submitter. Criteria: ACMG Guidelines, 2015. Collection method: clinical testing. Allele origin: germline.

Ambry Genetics
Classification: Uncertain significance for Inborn genetic diseases. Last evaluated: 2022-10-27. Review status: criteria provided, single submitter. Criteria: Ambry Variant Classification Scheme 2023. Collection method: clinical testing. Allele origin: germline.

GeneDx
Classification: Uncertain significance. Last evaluated: 2021-08-16. Review status: criteria provided, single submitter. Criteria: GeneDx Variant Classification Process June 2021. Collection method: clinical testing. Allele origin: germline. Affected: yes.
Comment: Not observed at a significant frequency in large population cohorts (Lek et al., 2016); In silico analysis supports that this missense variant does not alter protein structure/function; Has not been previously published as pathogenic or benign to our knowledge

Eurofins Ntd Llc (ga)
Classification: Uncertain significance. Last evaluated: 2017-12-13. Review status: criteria provided, single submitter. Criteria: EGL Classification Definitions 2015. Collection method: clinical testing. Allele origin: germline. Observed: 1 variant allele, 1 heterozygote.

PreventionGenetics, part of Exact Sciences
Classification: Uncertain significance for NPHP1-related condition. Last evaluated: 2024-08-22. Review status: no assertion criteria provided. Collection method: clinical testing. Allele origin: germline. Not counted in ClinVar's aggregate classification.
Comment: The NPHP1 c.439G>A variant is predicted to result in the amino acid substitution p.Glu147Lys. To our knowledge, this variant has not been reported in the literature. This variant is reported in a single heterozygous individual from the "Other" population in gnomAD. At this time, the clinical significance of this variant is uncertain due to the absence of conclusive functional and genetic evidence.

NM_001128178.3(NPHP1):c.439G>A (p.Glu147Lys)

Gene: NPHP1 (nephrocystin 1; minus strand). Cytogenetic location: 2q13.
Variant type: single nucleotide variant.
Coding change: c.439G>A on transcript NM_001128178.3 (MANE Select); coding-DNA position 439, G replaced by A.
Protein change: p.Glu147Lys; replaces glutamic acid 147 with lysine.
Molecular consequence: missense variant.
Genome position (GRCh38, 1-based): chr2:110,169,889, C>T on the plus strand (G>A on the coding strand, the complement: NPHP1 is on the minus strand). VCF-style: chr2-110169889-C-T. GRCh37 (hg19) VCF-style: chr2-110927466-C-T.
Other names: c.439G>A, p.Glu147Lys (NM_000272.5, NM_001374256.1, NM_001374257.1 and 1 more transcripts); c.253G>A, p.Glu85Lys (NM_001128179.3); short protein forms E147K, E85K.
Identifiers: ClinVar variation 595361 (VCV000595361.18), dbSNP rs1011754227, ClinGen allele CA53518999.